The following is an entry in ClinVar:

NM_033026.6(PCLO):c.4775A>G (p.Gln1592Arg)

Gene: PCLO (piccolo presynaptic cytomatrix protein; minus strand). Cytogenetic location: 7q21.11.
Variant type: single nucleotide variant.
Coding change: c.4775A>G on transcript NM_033026.6 (MANE Select); coding-DNA position 4775, A replaced by G.
Protein change: p.Gln1592Arg; replaces glutamine 1592 with arginine.
Molecular consequence: missense variant.
Genome position (GRCh38, 1-based): chr7:82,956,178, T>C on the plus strand (A>G on the coding strand, the complement: PCLO is on the minus strand). VCF-style: chr7-82956178-T-C. GRCh37 (hg19) VCF-style: chr7-82585494-T-C.
Other names: c.4775A>G, p.Gln1592Arg (NM_014510.3); short protein forms Q1592R.
Identifiers: ClinVar variation 1408791 (VCV001408791.8), dbSNP rs2115573397, ClinGen allele CA367926003.
Genomic context (GRCh38, chr7:82,956,178, plus strand): 5'-GTCAGTCGTCTGTGTTTCCCTGCTGTTATTTTGCCTTTTCCCTTTGTTTCTTCCTTCTTC[T>C]GGCTCTCAGTACTGCTACTAATCTCTTTGAGCTGGTTTCTGATGAACTCATCATCTTCAG-3'
Protein context (NP_149015.2, residues 1582-1602): LKEISSSTES[Gln1592Arg]KKEETKGKGK

ClinVar aggregate classification (germline): Uncertain significance (1 of 4 stars; one submission).

Submission:

Labcorp Genetics (formerly Invitae), Labcorp
Classification: Uncertain significance. Last evaluated: 2021-04-02. Review status: criteria provided, single submitter. Criteria: Invitae Variant Classification Sherloc (09022015). Collection method: clinical testing. Allele origin: germline.
Comment: This sequence change replaces glutamine with arginine at codon 1592 of the PCLO protein (p.Gln1592Arg). The glutamine residue is moderately conserved and there is a small physicochemical difference between glutamine and arginine. In summary, the available evidence is currently insufficient to determine the role of this variant in disease. Therefore, it has been classified as a Variant of Uncertain Significance. Algorithms developed to predict the effect of missense changes on protein structure and function are either unavailable or do not agree on the potential impact of this missense change (SIFT: "Deleterious"; PolyPhen-2: "Not Available"; Align-GVGD: "Class C0"). This variant has not been reported in the literature in individuals with PCLO-related conditions. This variant is not present in population databases (ExAC no frequency).